The following is an entry in ClinVar:

NM_001193315.2(VIPAS39):c.1179+13C>G

Gene: VIPAS39 (VPS33B interacting protein, apical-basolateral polarity regulator, spe-39 homolog; minus strand). Cytogenetic location: 14q24.3.
Variant type: single nucleotide variant.
Coding change: c.1179+13C>G on transcript NM_001193315.2 (MANE Select); 13 bases into the intron after coding-DNA position 1179, C replaced by G.
Molecular consequence: intron variant.
Genome position (GRCh38, 1-based): chr14:77,433,829, G>C on the plus strand (C>G on the coding strand, the complement: VIPAS39 is on the minus strand). VCF-style: chr14-77433829-G-C. GRCh37 (hg19) VCF-style: chr14-77900172-G-C.
Other names: p.?; c.1032+13C>G (NM_001193316.2); c.1179+13C>G (NM_022067.4, NM_001193317.2, NM_001193314.2).
Identifiers: ClinVar variation 261485 (VCV000261485.14), dbSNP rs146288421, ClinGen allele CA7287810.
Genomic context (GRCh38, chr14:77,433,829, plus strand): 5'-TAACTAGAACTTATAACATGATAGAACCCTTCTGTCTCCCAAGGCCTCAGCAGCACAGGG[G>C]CAGGGCACACACCTTTGTGGTGAATAGGGCATCTACATCATTCCAGGCTCGAAGCTTGGC-3'

ClinVar aggregate classification (germline): Benign/Likely benign. Review status: criteria provided, multiple submitters, no conflicts (2 of 4 stars). 5 submissions from 5 submitters: Benign (3); Likely benign (2). Last evaluated 2026-02-01.

Allele frequency attached by ClinVar (database versions not stated): gnomAD 0.00742 and 0.00884; ESP Exome Variant Server 0.00761; TOPMed 0.00801; gnomAD exomes 0.00832 and 0.01142; ExAC 0.01190; 1000 Genomes Project 30x 0.01483; 1000 Genomes Project 0.01558.
gnomAD v4.1: 13,760 of 1,613,408 alleles (0.85%); highest among the groups gnomAD compares: South Asian, 3.8%; 160 homozygotes.

Submissions (5):

Labcorp Genetics (formerly Invitae), Labcorp
Classification: Benign. Last evaluated: 2026-02-01. Review status: criteria provided, single submitter. Criteria: Invitae Variant Classification Sherloc (09022015). Collection method: clinical testing. Allele origin: germline.

Mayo Clinic Laboratories, Mayo Clinic
Classification: Benign. Last evaluated: 2023-07-06. Review status: criteria provided, single submitter. Criteria: ACMG Guidelines, 2015. Collection method: clinical testing. Allele origin: germline. Observed: 9 variant alleles.
Comment: BA1, BP4, BP7

GeneDx
Classification: Likely benign. Last evaluated: 2019-12-10. Review status: criteria provided, single submitter. Criteria: GeneDx Variant Classification Process June 2021. Collection method: clinical testing. Allele origin: germline. Affected: yes.

Breakthrough Genomics
Classification: Likely benign. Review status: criteria provided, single submitter. Criteria: ACMG Guidelines, 2015. Collection method: not provided. Allele origin: germline. Inheritance: Autosomal recessive inheritance. Affected: yes.

PreventionGenetics, part of Exact Sciences
Classification: Benign. Review status: criteria provided, single submitter. Criteria: ACMG Guidelines, 2015. Collection method: clinical testing. Allele origin: germline.